The following is an entry in ClinVar:

NM_000535.7(PMS2):c.2098C>G (p.Gln700Glu)

Gene: PMS2 (PMS1 homolog 2, mismatch repair system component; minus strand). Cytogenetic location: 7p22.1.
Variant type: single nucleotide variant.
Coding change: c.2098C>G on transcript NM_000535.7 (MANE Select); coding-DNA position 2098, C replaced by G.
Protein change: p.Gln700Glu; replaces glutamine 700 with glutamic acid.
Molecular consequence: missense variant. On other transcripts: non-coding transcript variant (1).
Genome position (GRCh38, 1-based): chr7:5,982,900, G>C on the plus strand (C>G on the coding strand, the complement: PMS2 is on the minus strand). VCF-style: chr7-5982900-G-C. GRCh37 (hg19) VCF-style: chr7-6022531-G-C.
Other names: c.1693C>G, p.Gln565Glu (NM_001406889.1, NM_001406890.1, NM_001406891.1 and 15 more transcripts); c.1633C>G, p.Gln545Glu (NM_001406900.1); c.1624C>G, p.Gln542Glu (NM_001406901.1, NM_001406902.1); c.1585C>G, p.Gln529Glu (NM_001406904.1, NM_001406905.1); c.1537C>G, p.Gln513Glu (NM_001406906.1, NM_001406907.1, NM_001322010.2); c.1525C>G, p.Gln509Glu (NM_001406909.1, NM_001322013.2); c.1327C>G, p.Gln443Glu (NM_001406911.1); c.895C>G, p.Gln299Glu (NM_001406912.1); and 13 more; short protein forms Q542E, Q389E, Q299E, Q529E, Q545E, Q578E, Q588E, Q708E.
Identifiers: ClinVar variation 1785824 (VCV001785824.2), dbSNP rs1782451817, ClinGen allele CA366738002.

ClinVar aggregate classification (germline): Uncertain significance (1 of 4 stars; one submission).

Conditions:
Hereditary cancer-predisposing syndrome. Also called: Neoplastic Syndromes, Hereditary; Tumor predisposition; Hereditary Cancer Syndrome; Hereditary neoplastic syndrome. Identifiers: Orphanet 140162, MedGen C0027672, MeSH D009386, MONDO:0015356.

Submission:

Ambry Genetics
Classification: Uncertain significance for Hereditary cancer-predisposing syndrome. Last evaluated: 2020-07-14. Review status: criteria provided, single submitter. Criteria: Ambry Variant Classification Scheme 2023. Collection method: clinical testing. Allele origin: germline.
Comment: The p.Q700E variant (also known as c.2098C>G), located in coding exon 12 of the PMS2 gene, results from a C to G substitution at nucleotide position 2098. The glutamine at codon 700 is replaced by glutamic acid, an amino acid with highly similar properties. This amino acid position is highly conserved in available vertebrate species. In addition, this alteration is predicted to be deleterious by in silico analysis. Since supporting evidence is limited at this time, the clinical significance of this alteration remains unclear.